The following is an entry in ClinVar:

ClinVar aggregate classification (germline): Conflicting classifications of pathogenicity. Review status: criteria provided, conflicting classifications (1 of 4 stars). 3 submissions from 3 submitters: Likely pathogenic (1); Uncertain significance (2). Last evaluated 2022-06-01.

Conditions:
Developmental and epileptic encephalopathy, 9 (DEE9). Also called: Early infantile epileptic encephalopathy 9; PCDH19-Related X-Linked Female-Limited Epilepsy with Mental Retardation; EPILEPSY, FEMALE-RESTRICTED, WITH MENTAL RETARDATION; JUBERG-HELLMAN SYNDROME. Identifiers: Orphanet 101039, Orphanet 2076, MedGen C1848137, MONDO:0010246, OMIM 300088. Disease mechanism: loss of function.

Submissions (3):

Pediatric Department, Peking University First Hospital
Classification: Likely pathogenic for Developmental and epileptic encephalopathy, 9. Last evaluated: 2022-06-01. Review status: criteria provided, single submitter. Criteria: ACMG Guidelines, 2015. Collection method: research. Allele origin: de novo. Affected: yes.

GeneDx
Classification: Uncertain significance. Last evaluated: 2022-01-31. Review status: criteria provided, single submitter. Criteria: GeneDx Variant Classification Process June 2021. Collection method: clinical testing. Allele origin: germline. Affected: yes.
Comment: Not observed at significant frequency in large population cohorts (gnomAD); Missense variants in this gene are often considered pathogenic (HGMD); In silico analysis supports that this missense variant has a deleterious effect on protein structure/function; Has not been previously published as pathogenic or benign to our knowledge

Labcorp Genetics (formerly Invitae), Labcorp
Classification: Uncertain significance for Developmental and epileptic encephalopathy, 9. Last evaluated: 2020-02-07. Review status: criteria provided, single submitter. Criteria: Invitae Variant Classification Sherloc (09022015). Collection method: clinical testing. Allele origin: germline.
Comment: In summary, the available evidence is currently insufficient to determine the role of this variant in disease. Therefore, it has been classified as a Variant of Uncertain Significance. Algorithms developed to predict the effect of missense changes on protein structure and function (SIFT, PolyPhen-2, Align-GVGD) all suggest that this variant is likely to be disruptive, but these predictions have not been confirmed by published functional studies and their clinical significance is uncertain. This variant has not been reported in the literature in individuals with PCDH19-related disease. This variant is not present in population databases (ExAC no frequency). This sequence change replaces alanine with proline at codon 369 of the PCDH19 protein (p.Ala369Pro). The alanine residue is highly conserved and there is a small physicochemical difference between alanine and proline.

NM_001184880.2(PCDH19):c.1105G>C (p.Ala369Pro)

Gene: PCDH19 (protocadherin 19; minus strand). Cytogenetic location: Xq22.1.
Variant type: single nucleotide variant.
Coding change: c.1105G>C on transcript NM_001184880.2 (MANE Select); coding-DNA position 1105, G replaced by C.
Protein change: p.Ala369Pro; replaces alanine 369 with proline.
Molecular consequence: missense variant.
Genome position (GRCh38, 1-based): chrX:100,407,493, C>G on the plus strand (G>C on the coding strand, the complement: PCDH19 is on the minus strand). VCF-style: chrX-100407493-C-G. GRCh37 (hg19) VCF-style: chrX-99662491-C-G.
Other names: c.1105G>C, p.Ala369Pro (NM_001105243.2, NM_020766.3); short protein forms A369P.
Identifiers: ClinVar variation 649959 (VCV000649959.11), dbSNP rs1602636688, ClinGen allele CA414004192.